The following is an entry in ClinVar:

ClinVar aggregate classification (germline): Uncertain significance (1 of 4 stars; one submission).

Conditions:
Amyotrophic lateral sclerosis type 21. Also called: MYOPATHY, DISTAL, 2; VOCAL CORD AND PHARYNGEAL DYSFUNCTION WITH DISTAL MYOPATHY. Identifiers: Orphanet 600, Orphanet 803, MedGen C3807521, MONDO:0011632, OMIM 606070.

gnomAD v4.1: 9 of 1,613,896 alleles (0.00056%); highest among the groups gnomAD compares: South Asian, 0.0055%; no homozygotes.

Submission:

Labcorp Genetics (formerly Invitae), Labcorp
Classification: Uncertain significance for Amyotrophic lateral sclerosis type 21. Last evaluated: 2025-06-29. Review status: criteria provided, single submitter. Criteria: Invitae Variant Classification Sherloc (09022015). Collection method: clinical testing. Allele origin: germline.
Comment: This sequence change replaces aspartic acid, which is acidic and polar, with glutamic acid, which is acidic and polar, at codon 677 of the MATR3 protein (p.Asp677Glu). This variant is present in population databases (rs557085910, gnomAD 0.01%). This variant has not been reported in the literature in individuals affected with MATR3-related conditions. Invitae Evidence Modeling of protein sequence and biophysical properties (such as structural, functional, and spatial information, amino acid conservation, physicochemical variation, residue mobility, and thermodynamic stability) indicates that this missense variant is not expected to disrupt MATR3 protein function with a negative predictive value of 80%. In summary, the available evidence is currently insufficient to determine the role of this variant in disease. Therefore, it has been classified as a Variant of Uncertain Significance.

NM_018834.6(MATR3):c.2031C>G (p.Asp677Glu)

Genes: MATR3 (matrin 3; plus strand), LOC126807526 (CDK7 strongly-dependent group 2 enhancer GRCh37_chr5:138657767-138658966; plus strand). Cytogenetic location: 5q31.2.
Variant type: single nucleotide variant.
Coding change: c.2031C>G on transcript NM_018834.6 (MANE Select); coding-DNA position 2031, C replaced by G.
Protein change: p.Asp677Glu; replaces aspartic acid 677 with glutamic acid.
Molecular consequence: missense variant.
Genome position (GRCh38, 1-based): chr5:139,322,850, C>G. VCF-style: chr5-139322850-C-G. GRCh37 (hg19) VCF-style: chr5-138658539-C-G.
Other names: c.2031C>G, p.Asp677Glu (NM_001194954.2, NM_001194955.2, NM_001400441.1 and 16 more transcripts); c.1167C>G, p.Asp389Glu (NM_001194956.2); c.1017C>G, p.Asp339Glu (NM_001282278.2, NM_001400460.1, NM_001400462.1 and 5 more transcripts); c.1170C>G, p.Asp390Glu (NM_001400459.1); c.1131C>G, p.Asp377Glu (NM_001400461.1); short protein forms D377E, D389E, D390E, D339E, D677E.
Identifiers: ClinVar variation 4737954 (VCV004737954.1).